The following is an entry in ClinVar:

NM_001868.4(CPA1):c.649C>A (p.Leu217Met)

Gene: CPA1 (carboxypeptidase A1; plus strand). Cytogenetic location: 7q32.2.
Variant type: single nucleotide variant.
Coding change: c.649C>A on transcript NM_001868.4 (MANE Select); coding-DNA position 649, C replaced by A.
Protein change: p.Leu217Met; replaces leucine 217 with methionine.
Molecular consequence: missense variant.
Genome position (GRCh38, 1-based): chr7:130,383,747, C>A. VCF-style: chr7-130383747-C-A. GRCh37 (hg19) VCF-style: chr7-130023588-C-A.
Other names: short protein forms L217M.
Identifiers: ClinVar variation 2448269 (VCV002448269.3), dbSNP rs1554411592, ClinGen allele CA369282765.

ClinVar aggregate classification (germline): Uncertain significance (1 of 4 stars; one submission).

Conditions:
Hereditary pancreatitis (PCTT). Also called: Hereditary chronic pancreatitis; PRSS1-Related Hereditary Pancreatitis. Identifiers: Orphanet 676, MedGen C0238339, MONDO:0008185, OMIM 167800.

gnomAD v4.1: 1 of 1,614,204 alleles (0.000062%); highest among the groups gnomAD compares: Non-Finnish European, 0.000085%; no homozygotes.

Submission:

Ambry Genetics
Classification: Uncertain significance for Hereditary pancreatitis. Last evaluated: 2025-01-29. Review status: criteria provided, single submitter. Criteria: Ambry Variant Classification Scheme 2023. Collection method: clinical testing. Allele origin: germline.
Comment: The p.L217M variant (also known as c.649C>A), located in coding exon 6 of the CPA1 gene, results from a C to A substitution at nucleotide position 649. The leucine at codon 217 is replaced by methionine, an amino acid with highly similar properties. This amino acid position is conserved. In addition, this alteration is predicted to be tolerated by in silico analysis. Since supporting evidence is limited at this time, the clinical significance of this alteration remains unclear.